The following is an entry in ClinVar:

ClinVar aggregate classification (germline): Likely pathogenic (1 of 4 stars; one submission).

Submission:

Athena Diagnostics
Classification: Likely pathogenic. Last evaluated: 2018-12-27. Review status: criteria provided, single submitter. Criteria: Athena Diagnostics Criteria. Collection method: clinical testing. Allele origin: germline.
Comment: The variant creates a premature nonsense codon, and is therefore predicted to result in the loss of a functional protein. Not found in the total gnomAD dataset, and the data is high quality (0/251388 chr).

NM_182961.4(SYNE1):c.11662C>T (p.Gln3888Ter)

Gene: SYNE1 (spectrin repeat containing nuclear envelope protein 1; minus strand). Cytogenetic location: 6q25.2.
Variant type: single nucleotide variant.
Coding change: c.11662C>T on transcript NM_182961.4 (MANE Select); coding-DNA position 11662, C replaced by T.
Protein change: p.Gln3888Ter; replaces glutamine 3888 with a stop codon.
Molecular consequence: nonsense.
Genome position (GRCh38, 1-based): chr6:152,350,689, G>A on the plus strand (C>T on the coding strand, the complement: SYNE1 is on the minus strand). VCF-style: chr6-152350689-G-A. GRCh37 (hg19) VCF-style: chr6-152671824-G-A.
Other names: c.11617C>T, p.Gln3873Ter (NM_033071.5); short protein forms Q3873*, Q3888*.
Identifiers: ClinVar variation 805543 (VCV000805543.1), dbSNP rs1590820792, ClinGen allele CA366118283.